The following is an entry in ClinVar:

ClinVar aggregate classification (germline): Uncertain significance (1 of 4 stars; one submission).

Submission:

Labcorp Genetics (formerly Invitae), Labcorp
Classification: Uncertain significance. Last evaluated: 2024-12-17. Review status: criteria provided, single submitter. Criteria: Invitae Variant Classification Sherloc (09022015). Collection method: clinical testing. Allele origin: germline.
Comment: This sequence change replaces serine, which is neutral and polar, with arginine, which is basic and polar, at codon 262 of the NLRP1 protein (p.Ser262Arg). This variant is not present in population databases (gnomAD no frequency). This variant has not been reported in the literature in individuals affected with NLRP1-related conditions. An algorithm developed to predict the effect of missense changes on protein structure and function outputs the following: PolyPhen-2: "Benign". The arginine amino acid residue is found in multiple mammalian species, which suggests that this missense change does not adversely affect protein function. In summary, the available evidence is currently insufficient to determine the role of this variant in disease. Therefore, it has been classified as a Variant of Uncertain Significance.

NM_033004.4(NLRP1):c.786C>A (p.Ser262Arg)

Gene: NLRP1 (NLR family pyrin domain containing 1; minus strand). Cytogenetic location: 17p13.2.
Variant type: single nucleotide variant.
Coding change: c.786C>A on transcript NM_033004.4 (MANE Select); coding-DNA position 786, C replaced by A.
Protein change: p.Ser262Arg; replaces serine 262 with arginine.
Molecular consequence: missense variant.
Genome position (GRCh38, 1-based): chr17:5,559,910, G>T on the plus strand (C>A on the coding strand, the complement: NLRP1 is on the minus strand). VCF-style: chr17-5559910-G-T. GRCh37 (hg19) VCF-style: chr17-5463230-G-T.
Other names: c.786C>A, p.Ser262Arg (NM_033006.4, NM_033007.4, NM_014922.5 and 1 more transcripts); short protein forms S262R.
Identifiers: ClinVar variation 3722535 (VCV003722535.2).